The following is an entry in ClinVar:

ClinVar aggregate classification (germline): Pathogenic (1 of 4 stars; one submission).

Conditions:
Congenital myotonia, autosomal dominant form (THD). Also called: THOMSEN DISEASE; Myotonia congenita autosomal dominant. Identifiers: Orphanet 614, MedGen C2936781, MONDO:0008055, OMIM 160800.
Congenital myotonia, autosomal recessive form. Also called: BECKER DISEASE; Becker Generalized Myotonia; myotonia congenita, autosomal recessive. Identifiers: Orphanet 614, MedGen C0751360, MONDO:0009715, OMIM 255700.

Submission:

Labcorp Genetics (formerly Invitae), Labcorp
Classification: Pathogenic for Congenital myotonia, autosomal recessive form; Congenital myotonia, autosomal dominant form. Last evaluated: 2023-12-05. Review status: criteria provided, single submitter. Criteria: Invitae Variant Classification Sherloc (09022015). Collection method: clinical testing. Allele origin: germline.
Comment: This sequence change creates a premature translational stop signal (p.Pro758Argfs*38) in the CLCN1 gene. It is expected to result in an absent or disrupted protein product. Loss-of-function variants in CLCN1 are known to be pathogenic (PMID: 17932099, 22094069, 23739125). This variant is not present in population databases (gnomAD no frequency). This variant has not been reported in the literature in individuals affected with CLCN1-related conditions. Algorithms developed to predict the effect of sequence changes on RNA splicing suggest that this variant may disrupt the consensus splice site. For these reasons, this variant has been classified as Pathogenic.

Literature cited by the submitters: PubMed 17932099; PubMed 22094069; PubMed 23739125.

NM_000083.3(CLCN1):c.2271_2272del (p.Pro758fs)

Gene: CLCN1 (chloride voltage-gated channel 1; plus strand). Cytogenetic location: 7q34.
Variant type: Deletion.
Coding change: c.2271_2272del on transcript NM_000083.3 (MANE Select); coding-DNA positions 2271 to 2272, 2 bases deleted (AC; older notation c.2271_2272delAC).
Protein change: p.Pro758fs; shifts the reading frame from proline 758.
Molecular consequence: frameshift variant. On other transcripts: non-coding transcript variant (1).
Genome position (GRCh38, 1-based): chr7:143,346,238-143,346,239, AC deleted; deleting any 2 consecutive bases within chr7:143,346,237-143,346,239 gives the same sequence; the c. name uses the placement nearest the transcript's 3' end. VCF-style (leftmost placement, unchanged base first): chr7-143346236-GCA-G. GRCh37 (hg19) VCF-style: chr7-143043329-GCA-G.
Other names: short protein forms P758fs.
Identifiers: ClinVar variation 2940592 (VCV002940592.3), dbSNP rs2485436780, ClinGen allele CA2685383281.